The following is an entry in ClinVar:

ClinVar aggregate classification (germline): Likely pathogenic. Review status: criteria provided, multiple submitters, no conflicts (2 of 4 stars). 3 submissions from 3 submitters: Likely pathogenic (2). 1 of the submissions does not count toward it. Last evaluated 2023-11-13.

Conditions:
Pulmonary fibrosis. Identifiers: MedGen C0034069, MONDO:0002771, HP:0002206.
Dyskeratosis congenita, autosomal recessive 6 (DKCB6). Identifiers: MedGen C4225356, MONDO:0014600, OMIM 616353.
Pulmonary fibrosis and/or bone marrow failure, Telomere-related, 4. Also called: PULMONARY FIBROSIS AND/OR BONE MARROW FAILURE SYNDROME, TELOMERE-RELATED, 4. Identifiers: Orphanet 2032, MedGen C4225347, MONDO:0014612, OMIM 616371.
PARN-related disorder. Also called: PARN-related condition; PARN-related disorders.

Allele frequency attached by ClinVar (database versions not stated): TOPMed below 0.00001.

Submissions (4):

Labcorp Genetics (formerly Invitae), Labcorp
Classification: Likely pathogenic for Dyskeratosis congenita, autosomal recessive 6; Pulmonary fibrosis and/or bone marrow failure, Telomere-related, 4. Last evaluated: 2023-11-13. Review status: criteria provided, single submitter. Criteria: Invitae Variant Classification Sherloc (09022015). Collection method: clinical testing. Allele origin: germline.
Comment: This sequence change affects a donor splice site in intron 20 of the PARN gene. It is expected to disrupt RNA splicing. Variants that disrupt the donor or acceptor splice site typically lead to a loss of protein function (PMID: 16199547), and loss-of-function variants in PARN are known to be pathogenic (PMID: 9736620, 25848748, 26810774). This variant is not present in population databases (gnomAD no frequency). This variant has not been reported in the literature in individuals affected with PARN-related conditions. ClinVar contains an entry for this variant (Variation ID: 1345454). Algorithms developed to predict the effect of sequence changes on RNA splicing suggest that this variant may disrupt the consensus splice site. In summary, the currently available evidence indicates that the variant is pathogenic, but additional data are needed to prove that conclusively. Therefore, this variant has been classified as Likely Pathogenic.

PreventionGenetics, part of Exact Sciences
Classification: Likely pathogenic for PARN-related condition. Last evaluated: 2023-05-15. Review status: criteria provided, single submitter. Criteria: ACMG Guidelines, 2015. Collection method: clinical testing. Allele origin: germline.
Comment: The PARN c.1405+1G>T variant is predicted to disrupt the GT donor site and interfere with normal splicing. To our knowledge, this variant has not been reported in the literature or a large population database, indicating this variant is rare. Variants that disrupt the consensus splice donor site in PARN are expected to be pathogenic. This variant is interpreted as likely pathogenic.

Garcia Pulmonary Genetics Research Laboratory, Columbia University Irving Medical Center
Classification: Likely risk allele for Pulmonary fibrosis. Last evaluated: 2022-06-09. Review status: no assertion criteria provided. Collection method: research. Allele origin: germline. Affected: yes. Not counted in ClinVar's aggregate classification.

Dr. Peter K. Rogan Lab, Western University
No classification provided (evidence only). Condition: Squamous cell lung carcinoma. Review status: no classification provided. Collection method: in vitro. Allele origin: not applicable. Functional consequence: skipped exon. Not counted in ClinVar's aggregate classification.

Literature cited by the submitters: PubMed 16199547 (cited by Labcorp Genetics (formerly Invitae), Labcorp); PubMed 9736620 (cited by Labcorp Genetics (formerly Invitae), Labcorp); PubMed 25848748 (cited by Labcorp Genetics (formerly Invitae), Labcorp); PubMed 26810774 (cited by Labcorp Genetics (formerly Invitae), Labcorp).

NM_002582.4(PARN):c.1405+1G>T

Gene: PARN (poly(A)-specific ribonuclease; minus strand). Cytogenetic location: 16p13.12.
Variant type: single nucleotide variant.
Coding change: c.1405+1G>T on transcript NM_002582.4 (MANE Select); the canonical splice donor site of the intron after coding-DNA position 1405, G replaced by T.
Molecular consequence: splice donor variant.
Genome position (GRCh38, 1-based): chr16:14,554,064, C>A on the plus strand (G>T on the coding strand, the complement: PARN is on the minus strand). VCF-style: chr16-14554064-C-A. GRCh37 (hg19) VCF-style: chr16-14647921-C-A.
Other names: c.1222+1G>T (NM_001134477.3); c.1267+1G>T (NM_001242992.2); c.1405+1G>T (NM_002582.3).
Identifiers: ClinVar variation 1345454 (VCV001345454.35), dbSNP rs1288345334, ClinGen allele CA394811593.